The following is an entry in ClinVar:

NM_017617.5(NOTCH1):c.4100C>T (p.Pro1367Leu)

Gene: NOTCH1 (notch receptor 1; minus strand). Cytogenetic location: 9q34.3.
Variant type: single nucleotide variant.
Coding change: c.4100C>T on transcript NM_017617.5 (MANE Select); coding-DNA position 4100, C replaced by T.
Protein change: p.Pro1367Leu; replaces proline 1367 with leucine.
Molecular consequence: missense variant.
Genome position (GRCh38, 1-based): chr9:136,505,796, G>A on the plus strand (C>T on the coding strand, the complement: NOTCH1 is on the minus strand). VCF-style: chr9-136505796-G-A. GRCh37 (hg19) VCF-style: chr9-139400248-G-A.
Other names: c.4100C>T (NM_017617.3); short protein forms P1367L.
Identifiers: ClinVar variation 1471684 (VCV001471684.9), dbSNP rs758787267, ClinGen allele CA5340687.

ClinVar aggregate classification (germline): Conflicting classifications of pathogenicity. Review status: criteria provided, conflicting classifications (1 of 4 stars). 2 submissions from 2 submitters: Uncertain significance (1); Likely benign (1). Last evaluated 2025-12-15.

Conditions:
Adams-Oliver syndrome 5 (AOS5). Identifiers: Orphanet 974, MedGen C4014970, MONDO:0014459, OMIM 616028.

Allele frequency attached by ClinVar (database versions not stated): gnomAD 0.00001; gnomAD exomes 0.00001; ExAC 0.00002; TOPMed 0.00003.
gnomAD v4.1: 18 of 1,584,104 alleles (0.0011%); highest among the groups gnomAD compares: African/African-American, 0.004%; no homozygotes.

Submissions (2):

Labcorp Genetics (formerly Invitae), Labcorp
Classification: Likely benign for Adams-Oliver syndrome 5. Last evaluated: 2025-12-15. Review status: criteria provided, single submitter. Criteria: Invitae Variant Classification Sherloc (09022015). Collection method: clinical testing. Allele origin: germline.

GeneDx
Classification: Uncertain significance. Last evaluated: 2024-04-03. Review status: criteria provided, single submitter. Criteria: GeneDx Variant Classification Process June 2021. Collection method: clinical testing. Allele origin: germline. Affected: yes.
Comment: Not observed at significant frequency in large population cohorts (gnomAD); In silico analysis supports that this missense variant has a deleterious effect on protein structure/function; Has not been previously published as pathogenic or benign to our knowledge